The following is an entry in ClinVar:

ClinVar aggregate classification (germline): Uncertain significance. Review status: criteria provided, multiple submitters, no conflicts (2 of 4 stars). 2 submissions from 2 submitters: Uncertain significance (2). Last evaluated 2026-06-23.

Conditions:
Inborn genetic diseases. Identifiers: MedGen C0950123, MeSH D030342.
TMC1-related disorder. Also called: TMC1-related condition; TMC1-related disorders.

Submissions (2):

Ambry Genetics
Classification: Uncertain significance for Inborn genetic diseases. Last evaluated: 2026-06-23. Review status: criteria provided, single submitter. Criteria: Ambry Variant Classification Scheme 2023. Collection method: clinical testing. Allele origin: germline.

PreventionGenetics, part of Exact Sciences
Classification: Uncertain significance for TMC1-related condition. Last evaluated: 2024-10-30. Review status: criteria provided, single submitter. Criteria: ACMG Guidelines, 2015. Collection method: clinical testing. Allele origin: germline.
Comment: The TMC1 c.770A>G variant is predicted to result in the amino acid substitution p.Tyr257Cys. To our knowledge, this variant has not been reported in the literature. This variant is reported in 0.012% of alleles in individuals of African descent in gnomAD. At this time, the clinical significance of this variant is uncertain due to the absence of conclusive functional and genetic evidence.

NM_138691.3(TMC1):c.770A>G (p.Tyr257Cys)

Gene: TMC1 (transmembrane channel like 1; plus strand). Cytogenetic location: 9q21.13.
Variant type: single nucleotide variant.
Coding change: c.770A>G on transcript NM_138691.3 (MANE Select); coding-DNA position 770, A replaced by G.
Protein change: p.Tyr257Cys; replaces tyrosine 257 with cysteine.
Molecular consequence: missense variant.
Genome position (GRCh38, 1-based): chr9:72,772,441, A>G. VCF-style: chr9-72772441-A-G. GRCh37 (hg19) VCF-style: chr9-75387357-A-G.
Other names: short protein forms Y257C.
Identifiers: ClinVar variation 4999569 (VCV004999569.2).